The following is an entry in ClinVar:

NM_130837.3(OPA1):c.2424G>C (p.Gln808His)

Gene: OPA1 (OPA1 mitochondrial dynamin like GTPase; plus strand). Cytogenetic location: 3q29.
Variant type: single nucleotide variant.
Coding change: c.2424G>C on transcript NM_130837.3 (MANE Select); coding-DNA position 2424, G replaced by C.
Protein change: p.Gln808His; replaces glutamine 808 with histidine.
Molecular consequence: missense variant.
Genome position (GRCh38, 1-based): chr3:193,658,979, G>C. VCF-style: chr3-193658979-G-C. GRCh37 (hg19) VCF-style: chr3-193376768-G-C.
Other names: c.1890G>C, p.Gln630His (NM_001354663.2); c.1887G>C, p.Gln629His (NM_001354664.2); c.2259G>C, p.Gln753His (NM_015560.3); c.2151G>C, p.Gln717His (NM_130831.3); c.2205G>C, p.Gln735His (NM_130832.3); c.2262G>C, p.Gln754His (NM_130833.3); c.2313G>C, p.Gln771His (NM_130834.3); c.2316G>C, p.Gln772His (NM_130835.3); and 1 more; short protein forms Q753H, Q771H, Q772H, Q790H, Q808H, Q754H, Q629H, Q630H.
Identifiers: ClinVar variation 1992456 (VCV001992456.4), dbSNP rs2475079168, ClinGen allele CA355792034.

ClinVar aggregate classification (germline): Uncertain significance (1 of 4 stars; one submission).

Submission:

Labcorp Genetics (formerly Invitae), Labcorp
Classification: Uncertain significance. Last evaluated: 2022-05-09. Review status: criteria provided, single submitter. Criteria: Invitae Variant Classification Sherloc (09022015). Collection method: clinical testing. Allele origin: germline.
Comment: Advanced modeling of protein sequence and biophysical properties (such as structural, functional, and spatial information, amino acid conservation, physicochemical variation, residue mobility, and thermodynamic stability) performed at Invitae indicates that this missense variant is not expected to disrupt OPA1 protein function. This variant has not been reported in the literature in individuals affected with OPA1-related conditions. This variant is not present in population databases (gnomAD no frequency). This sequence change replaces glutamine, which is neutral and polar, with histidine, which is basic and polar, at codon 753 of the OPA1 protein (p.Gln753His). In summary, the available evidence is currently insufficient to determine the role of this variant in disease. Therefore, it has been classified as a Variant of Uncertain Significance.